The following is an entry in ClinVar:

ClinVar aggregate classification (germline): Uncertain significance (1 of 4 stars; one submission).

Conditions:
Hereditary cancer-predisposing syndrome. Also called: Hereditary Cancer Syndrome; Hereditary neoplastic syndrome; Neoplastic Syndromes, Hereditary; Tumor predisposition. Identifiers: Orphanet 140162, MedGen C0027672, MeSH D009386, MONDO:0015356.

Submission:

Ambry Genetics
Classification: Uncertain significance for Hereditary cancer-predisposing syndrome. Last evaluated: 2020-09-29. Review status: criteria provided, single submitter. Criteria: Ambry Variant Classification Scheme 2023. Collection method: clinical testing. Allele origin: germline.
Comment: The p.P43L variant (also known as c.128C>T), located in coding exon 1 of the RB1 gene, results from a C to T substitution at nucleotide position 128. The proline at codon 43 is replaced by leucine, an amino acid with similar properties. This amino acid position is well conserved in available vertebrate species. In addition, the in silico prediction for this alteration is inconclusive. Since supporting evidence is limited at this time, the clinical significance of this alteration remains unclear.

NM_000321.3(RB1):c.128C>T (p.Pro43Leu)

Gene: RB1 (RB transcriptional corepressor 1; plus strand). Cytogenetic location: 13q14.2.
Variant type: single nucleotide variant.
Coding change: c.128C>T on transcript NM_000321.3 (MANE Select); coding-DNA position 128, C replaced by T.
Protein change: p.Pro43Leu; replaces proline 43 with leucine.
Molecular consequence: missense variant.
Genome position (GRCh38, 1-based): chr13:48,304,040, C>T. VCF-style: chr13-48304040-C-T. GRCh37 (hg19) VCF-style: chr13-48878176-C-T.
Other names: c.128C>T, p.Pro43Leu (NM_001407165.1, NM_001407166.1, NM_001407167.1); short protein forms P43L.
Identifiers: ClinVar variation 1769061 (VCV001769061.2), dbSNP rs1555279239, ClinGen allele CA388250388.
Genomic context (GRCh38, chr13:48,304,040, plus strand): 5'-CGCCGCCGCCGCCCCCTCCTGAGGAGGACCCAGAGCAGGACAGCGGCCCGGAGGACCTGC[C>T]TCTCGTCAGGTGAGCGAGCAGAGCCGCCGTCGCCTCACGCGGGAAGGGCGCCCCGGGTGT-3'
Protein context (NP_000312.2, residues 33-53): PEQDSGPEDL[Pro43Leu]LVRLEFEETE